The following is an entry in ClinVar:

ClinVar aggregate classification (germline): Likely benign. Review status: criteria provided, multiple submitters, no conflicts (2 of 4 stars). 3 submissions from 3 submitters: Likely benign (2). 1 of the submissions does not count toward it. Last evaluated 2025-12-08.

Conditions:
Multiple endocrine neoplasia, type 2 (MEN2). Identifiers: Orphanet 653, MedGen C4048306, MONDO:0019003. Disease mechanism: gain of function.
RET-related disorder. Also called: RET-related disorders; RET-related condition; RET-related disease.

Allele frequency attached by ClinVar (database versions not stated): gnomAD 0.00001; TOPMed 0.00003; gnomAD exomes 0.00006.
gnomAD v4.1: 89 of 1,613,718 alleles (0.0055%); highest among the groups gnomAD compares: Non-Finnish European, 0.0069%; no homozygotes.

Submissions (3):

Labcorp Genetics (formerly Invitae), Labcorp
Classification: Likely benign for Multiple endocrine neoplasia, type 2. Last evaluated: 2025-12-08. Review status: criteria provided, single submitter. Criteria: Invitae Variant Classification Sherloc (09022015). Collection method: clinical testing. Allele origin: germline.

St. Jude Molecular Pathology, St. Jude Children's Research Hospital
Classification: Likely benign for Multiple endocrine neoplasia, type 2. Last evaluated: 2021-08-19. Review status: criteria provided, single submitter. Criteria: St. Jude Assertion Criteria 2020. Collection method: clinical testing. Allele origin: germline.
Comment: The RET c.625+9C>T intronic change results in a C to T substitution at the +9 position of intron 3. This variant is not predicted to affect the native splice donor site (BP4), and internal RNA data demonstrates normal splicing (BS3_supporting). This variant is absent in gnomAD v2.1.1 (PM2_Supporting). To our knowledge, this variant has not been reported in the literature in individuals with MEN2. In summary, this variant meets criteria to be classified as likely benign based on the ACMG/AMP criteria: PM2_supporting, BS3_supporting, BP4.

PreventionGenetics, part of Exact Sciences
Classification: Likely benign for RET-related condition. Last evaluated: 2021-10-20. Review status: no assertion criteria provided. Collection method: clinical testing. Allele origin: germline. Not counted in ClinVar's aggregate classification.
Comment: This variant is classified as likely benign based on ACMG/AMP sequence variant interpretation guidelines (Richards et al. 2015 PMID: 25741868, with internal and published modifications).

NM_020975.6(RET):c.625+9C>T

Gene: RET (ret proto-oncogene; plus strand). Cytogenetic location: 10q11.21.
Variant type: single nucleotide variant.
Coding change: c.625+9C>T on transcript NM_020975.6 (MANE Select); 9 bases into the intron after coding-DNA position 625, C replaced by T.
Molecular consequence: intron variant.
Genome position (GRCh38, 1-based): chr10:43,102,638, C>T. VCF-style: chr10-43102638-C-T. GRCh37 (hg19) VCF-style: chr10-43598086-C-T.
Other names: c.625+9C>T (NM_020630.7, NM_001406743.1, NM_001406744.1 and 14 more transcripts); c.496+9C>T (NM_001406764.1, NM_001406762.1, NM_001406761.1 and 4 more transcripts); c.337+1916C>T (NM_001406770.1, NM_001406766.1, NM_001406767.1 and 8 more transcripts); c.74-6393C>T (NM_001406784.1); c.74-9461C>T (NM_001406794.1, NM_001406792.1, NM_001406793.1).
Identifiers: ClinVar variation 695637 (VCV000695637.25), dbSNP rs201453349, ClinGen allele CA206256185.